The following is an entry in ClinVar:

ClinVar aggregate classification (germline): Conflicting classifications of pathogenicity. Review status: criteria provided, conflicting classifications (1 of 4 stars). 4 submissions from 4 submitters: Uncertain significance (2); Likely benign (1). 1 of the submissions does not count toward it. Last evaluated 2024-11-09.

Conditions:
Inborn genetic diseases. Identifiers: MedGen C0950123, MeSH D030342.
Spastic paraplegia. Identifiers: MedGen C0037772, HP:0001258.
Charlevoix-Saguenay spastic ataxia (SACS). Also called: Spastic ataxia of Charlevoix-Saguenay; SPASTIC ATAXIA 6, AUTOSOMAL RECESSIVE; AUTOSOMAL RECESSIVE SPASTIC ATAXIA OF CHARLEVOIX-SAGUENAY. Identifiers: Orphanet 98, MedGen C1849140, MONDO:0010041, OMIM 270550.

Allele frequency attached by ClinVar (database versions not stated): gnomAD exomes below 0.00001 and 0.00001; gnomAD 0.00001; ExAC 0.00003; TOPMed 0.00003.

Submissions (4):

Ambry Genetics
Classification: Uncertain significance for Inborn genetic diseases. Last evaluated: 2024-11-09. Review status: criteria provided, single submitter. Criteria: Ambry Variant Classification Scheme 2023. Collection method: clinical testing. Allele origin: germline.

Labcorp Genetics (formerly Invitae), Labcorp
Classification: Likely benign for Spastic paraplegia. Last evaluated: 2024-10-16. Review status: criteria provided, single submitter. Criteria: Invitae Variant Classification Sherloc (09022015). Collection method: clinical testing. Allele origin: germline.

Athena Diagnostics
Classification: Uncertain significance. Last evaluated: 2023-07-18. Review status: criteria provided, single submitter. Criteria: Athena Diagnostics Criteria. Collection method: clinical testing. Allele origin: unknown.
Comment: Available data are insufficient to determine the clinical significance of the variant at this time. The frequency of this variant in the general population is uninformative in assessment of its pathogenicity. Computational tools predict that this variant is not damaging.

Natera, Inc.
Classification: Uncertain significance for Charlevoix-Saguenay type spastic ataxia. Last evaluated: 2020-02-13. Review status: no assertion criteria provided. Collection method: clinical testing. Allele origin: germline. Not counted in ClinVar's aggregate classification.

NM_014363.6(SACS):c.9677A>G (p.Tyr3226Cys)

Gene: SACS (sacsin molecular chaperone; minus strand). Cytogenetic location: 13q12.12.
Variant type: single nucleotide variant.
Coding change: c.9677A>G on transcript NM_014363.6 (MANE Select); coding-DNA position 9677, A replaced by G.
Protein change: p.Tyr3226Cys; replaces tyrosine 3226 with cysteine.
Molecular consequence: missense variant.
Genome position (GRCh38, 1-based): chr13:23,334,199, T>C on the plus strand (A>G on the coding strand, the complement: SACS is on the minus strand). VCF-style: chr13-23334199-T-C. GRCh37 (hg19) VCF-style: chr13-23908338-T-C.
Other names: c.9236A>G, p.Tyr3079Cys (NM_001278055.2); short protein forms Y3079C, Y3226C.
Identifiers: ClinVar variation 805308 (VCV000805308.8), dbSNP rs776143384, ClinGen allele CA6910581.